The following is an entry in ClinVar:

NM_138711.6(PPARG):c.885A>G (p.Thr295=)

Gene: PPARG (peroxisome proliferator activated receptor gamma; plus strand). Cytogenetic location: 3p25.2.
Variant type: single nucleotide variant.
Coding change: c.885A>G on transcript NM_138711.6 (MANE Select); coding-DNA position 885, A replaced by G.
Protein change: p.Thr295=; no amino-acid change (threonine 295 retained).
Molecular consequence: synonymous variant. On other transcripts: intron variant (5).
Genome position (GRCh38, 1-based): chr3:12,416,859, A>G. VCF-style: chr3-12416859-A-G. GRCh37 (hg19) VCF-style: chr3-12458358-A-G.
Other names: c.885A>G, p.Thr295= (NM_001354666.3, NM_001354667.3, NM_001374263.2 and 3 more transcripts); c.258A>G, p.Thr86= (NM_001354669.2); c.975A>G, p.Thr325= (NM_015869.5); c.729+10778A>G (NM_001374261.3, NM_001374262.3, NM_001330615.4); c.653+10860A>G (NM_001374266.1); c.819+10778A>G (NM_001374265.1).
Identifiers: ClinVar variation 3351756 (VCV003351756.1).

ClinVar aggregate classification (germline): Likely benign (0 of 4 stars; one submission).

Conditions:
PPARG-related disorder. Also called: PPARG-related disorders; PPARG-related condition.

gnomAD v4.1: 2 of 1,614,182 alleles (0.00012%); highest among the groups gnomAD compares: Non-Finnish European, 0.00017%; no homozygotes.

Submission:

PreventionGenetics, part of Exact Sciences
Classification: Likely benign for PPARG-related condition. Last evaluated: 2023-04-03. Review status: no assertion criteria provided. Collection method: clinical testing. Allele origin: germline.
Comment: This variant is classified as likely benign based on ACMG/AMP sequence variant interpretation guidelines (Richards et al. 2015 PMID: 25741868, with internal and published modifications).